The following is an entry in ClinVar:

NM_001182.4(ALDH7A1):c.-60G>A

Gene: ALDH7A1 (aldehyde dehydrogenase 7 family member A1; minus strand). Cytogenetic location: 5q23.2.
Variant type: single nucleotide variant.
Coding change: c.-60G>A on transcript NM_001182.4; 60 bases upstream of the start codon, G replaced by A.
Genome position (GRCh38, 1-based): chr5:126,595,258, C>T on the plus strand (G>A on the coding strand, the complement: ALDH7A1 is on the minus strand). VCF-style: chr5-126595258-C-T. GRCh37 (hg19) VCF-style: chr5-125930950-C-T.
Identifiers: ClinVar variation 350588 (VCV000350588.11), dbSNP rs144272515, ClinGen allele CA3389955.
Genomic context (GRCh38, chr5:126,595,258, plus strand): 5'-TACTGAGCCCGGGACTCGGGATGAGCCCAAGGCCCTGAGAGCTGCTGAAATAGAGCCCCG[C>T]CCCCCGCCCGGGAGAACCCATTGGGCAGACCCGACCCCTCCCACTGGGCACGACCCCGCC-3'

ClinVar aggregate classification (germline): Benign. Review status: criteria provided, multiple submitters, no conflicts (2 of 4 stars). 5 submissions from 5 submitters: Benign (4). 1 of the submissions does not count toward it. Last evaluated 2023-04-11.

Conditions:
Pyridoxine-dependent epilepsy (EPEO4). Also called: Pyridoxine-Dependent Seizures; EPILEPSY, EARLY-ONSET, 4, VITAMIN B6-DEPENDENT; PYRIDOXINE DEPENDENCY WITH SEIZURES; Pyridoxine-Dependent Epilepsy - ALDH7A1. Identifiers: Orphanet 3006, MedGen C1849508, MONDO:0009945, OMIM 266100. Disease mechanism: loss of function.

Allele frequency attached by ClinVar (database versions not stated): 1000 Genomes Project 0.01238; gnomAD exomes 0.03134; 1000 Genomes Project 30x 0.01327; TOPMed 0.02513; gnomAD 0.03281 and 0.03685; ExAC 0.03423.

Submissions (5):

Genome-Nilou Lab
Classification: Benign for Pyridoxine-dependent epilepsy. Last evaluated: 2023-04-11. Review status: criteria provided, single submitter. Criteria: ACMG Guidelines, 2015. Collection method: clinical testing. Allele origin: germline. Affected: no.

GeneDx
Classification: Benign. Last evaluated: 2018-06-22. Review status: criteria provided, single submitter. Criteria: GeneDx Variant Classification Process June 2021. Collection method: clinical testing. Allele origin: germline. Affected: yes.

Illumina Laboratory Services, Illumina
Classification: Benign for Pyridoxine-dependent epilepsy. Last evaluated: 2018-01-12. Review status: criteria provided, single submitter. Criteria: ICSL Variant Classification Criteria 13 December 2019. Collection method: clinical testing. Allele origin: germline.
Comment: This variant was observed in the ICSL laboratory as part of a predisposition screen in an ostensibly healthy population. It had not been previously curated by ICSL or reported in the Human Gene Mutation Database (HGMD: prior to June 1st, 2018), and was therefore a candidate for classification through an automated scoring system. Utilizing variant allele frequency, disease prevalence and penetrance estimates, and inheritance mode, an automated score was calculated to assess if this variant is too frequent to cause the disease. Based on the score and internal cut-off values, a variant classified as benign is not then subjected to further curation. The score for this variant resulted in a classification of benign for this disease.

Clinical Genetics DNA and cytogenetics Diagnostics Lab, Erasmus MC, Erasmus Medical Center
Classification: Benign for Pyridoxine-dependent epilepsy. Last evaluated: 2017-06-28. Review status: criteria provided, single submitter. Criteria: ACGS Guidelines, 2013. Collection method: clinical testing. Allele origin: germline. Affected: yes. Study: VKGL Data-share Consensus.

Clinical Genetics, Academic Medical Center
Classification: Benign. Review status: no assertion criteria provided. Collection method: clinical testing. Allele origin: germline. Affected: yes. Study: VKGL Data-share Consensus. Not counted in ClinVar's aggregate classification.